The following is an entry in ClinVar:

NM_004836.7(EIF2AK3):c.25C>A (p.Leu9Met)

Gene: EIF2AK3 (eukaryotic translation initiation factor 2 alpha kinase 3; minus strand). Cytogenetic location: 2p11.2.
Variant type: single nucleotide variant.
Coding change: c.25C>A on transcript NM_004836.7 (MANE Select); coding-DNA position 25, C replaced by A.
Protein change: p.Leu9Met; replaces leucine 9 with methionine.
Molecular consequence: missense variant.
Genome position (GRCh38, 1-based): chr2:88,627,250, G>T on the plus strand (C>A on the coding strand, the complement: EIF2AK3 is on the minus strand). VCF-style: chr2-88627250-G-T. GRCh37 (hg19) VCF-style: chr2-88926768-G-T.
Other names: c.25C>A (NM_004836.5); short protein forms L9M.
Identifiers: ClinVar variation 1352152 (VCV001352152.6), dbSNP rs1573432415, ClinGen allele CA347763616.

ClinVar aggregate classification (germline): Uncertain significance. Review status: criteria provided, multiple submitters, no conflicts (2 of 4 stars). 2 submissions from 2 submitters: Uncertain significance (2). Last evaluated 2025-08-03.

Conditions:
Inborn genetic diseases. Identifiers: MedGen C0950123, MeSH D030342.

gnomAD v4.1: 11 of 1,486,838 alleles (0.00074%); highest among the groups gnomAD compares: East Asian, 0.0029%; no homozygotes.

Submissions (2):

Ambry Genetics
Classification: Uncertain significance for Inborn genetic diseases. Last evaluated: 2025-08-03. Review status: criteria provided, single submitter. Criteria: Ambry Variant Classification Scheme 2023. Collection method: clinical testing. Allele origin: germline.

Labcorp Genetics (formerly Invitae), Labcorp
Classification: Uncertain significance. Last evaluated: 2022-08-22. Review status: criteria provided, single submitter. Criteria: Invitae Variant Classification Sherloc (09022015). Collection method: clinical testing. Allele origin: germline.
Comment: This sequence change replaces leucine, which is neutral and non-polar, with methionine, which is neutral and non-polar, at codon 9 of the EIF2AK3 protein (p.Leu9Met). This variant is not present in population databases (gnomAD no frequency). This variant has not been reported in the literature in individuals affected with EIF2AK3-related conditions. ClinVar contains an entry for this variant (Variation ID: 1352152). Algorithms developed to predict the effect of missense changes on protein structure and function are either unavailable or do not agree on the potential impact of this missense change (SIFT: "Tolerated"; PolyPhen-2: "Not Available"; Align-GVGD: "Class C0"). In summary, the available evidence is currently insufficient to determine the role of this variant in disease. Therefore, it has been classified as a Variant of Uncertain Significance.